The following is an entry in ClinVar:

NM_032578.4(MYPN):c.2999G>A (p.Gly1000Glu)

Gene: MYPN (myopalladin; plus strand). Cytogenetic location: 10q21.3.
Variant type: single nucleotide variant.
Coding change: c.2999G>A on transcript NM_032578.4 (MANE Select); coding-DNA position 2999, G replaced by A.
Protein change: p.Gly1000Glu; replaces glycine 1000 with glutamic acid.
Molecular consequence: missense variant. On other transcripts: non-coding transcript variant (2).
Genome position (GRCh38, 1-based): chr10:68,194,436, G>A. VCF-style: chr10-68194436-G-A. GRCh37 (hg19) VCF-style: chr10-69954193-G-A.
Other names: c.2999G>A, p.Gly1000Glu (NM_001256267.2); c.2117G>A, p.Gly706Glu (NM_001256268.2); short protein forms G706E, G1000E.
Identifiers: ClinVar variation 1470913 (VCV001470913.8), dbSNP rs2134277900, ClinGen allele CA376855961.

ClinVar aggregate classification (germline): Uncertain significance (1 of 4 stars; one submission).

Conditions:
Dilated cardiomyopathy 1KK (CMD1KK). Identifiers: Orphanet 154, Orphanet 75249, MedGen C3714995, MONDO:0014100, OMIM 615248.

Submission:

Labcorp Genetics (formerly Invitae), Labcorp
Classification: Uncertain significance for Dilated cardiomyopathy 1KK. Last evaluated: 2023-05-23. Review status: criteria provided, single submitter. Criteria: Invitae Variant Classification Sherloc (09022015). Collection method: clinical testing. Allele origin: germline.
Comment: In summary, the available evidence is currently insufficient to determine the role of this variant in disease. Therefore, it has been classified as a Variant of Uncertain Significance. An algorithm developed to predict the effect of missense changes on protein structure and function (PolyPhen-2) suggests that this variant is likely to be disruptive. ClinVar contains an entry for this variant (Variation ID: 1470913). This variant has not been reported in the literature in individuals affected with MYPN-related conditions. This variant is not present in population databases (gnomAD no frequency). This sequence change replaces glycine, which is neutral and non-polar, with glutamic acid, which is acidic and polar, at codon 1000 of the MYPN protein (p.Gly1000Glu).